The following is an entry in ClinVar:

ClinVar aggregate classification (germline): Uncertain significance. Review status: criteria provided, multiple submitters, no conflicts (2 of 4 stars). 3 submissions from 3 submitters: Uncertain significance (3). Last evaluated 2026-01-29.

Conditions:
PRDM13-related disorder. Also called: PRDM13-related condition.

Allele frequency attached by ClinVar (database versions not stated): TOPMed below 0.00001; gnomAD 0.00001; gnomAD exomes 0.00001.
gnomAD v4.1: 7 of 1,506,664 alleles (0.00046%); highest among the groups gnomAD compares: Admixed American, 0.013%; no homozygotes.

Submissions (3):

PreventionGenetics, part of Exact Sciences
Classification: Uncertain significance for PRDM13-related condition. Last evaluated: 2026-01-29. Review status: criteria provided, single submitter. Criteria: ACMG Guidelines, 2015. Collection method: clinical testing. Allele origin: germline.
Comment: The PRDM13 c.937C>T variant is predicted to result in the amino acid substitution p.Arg313Trp. To our knowledge, this variant has not been reported in the literature. This variant is present in 0.010% of alleles in individuals of Latino descent in gnomAD. At this time, the clinical significance of this variant is uncertain due to the absence of conclusive functional and genetic evidence.

Labcorp Genetics (formerly Invitae), Labcorp
Classification: Uncertain significance. Last evaluated: 2024-11-27. Review status: criteria provided, single submitter. Criteria: Invitae Variant Classification Sherloc (09022015). Collection method: clinical testing. Allele origin: germline.
Comment: This sequence change replaces arginine, which is basic and polar, with tryptophan, which is neutral and slightly polar, at codon 313 of the PRDM13 protein (p.Arg313Trp). The frequency data for this variant in the population databases is considered unreliable, as metrics indicate poor data quality at this position in the gnomAD database. This variant has not been reported in the literature in individuals affected with PRDM13-related conditions. ClinVar contains an entry for this variant (Variation ID: 1960883). An algorithm developed to predict the effect of missense changes on protein structure and function (PolyPhen-2) suggests that this variant is likely to be disruptive. In summary, the available evidence is currently insufficient to determine the role of this variant in disease. Therefore, it has been classified as a Variant of Uncertain Significance.

Blueprint Genetics
Classification: Uncertain significance. Last evaluated: 2024-06-04. Review status: criteria provided, single submitter. Criteria: ACMG Guidelines, 2015. Collection method: clinical testing. Allele origin: germline.

NM_021620.4(PRDM13):c.937C>T (p.Arg313Trp)

Gene: PRDM13 (PR/SET domain 13; plus strand). Cytogenetic location: 6q16.2.
Variant type: single nucleotide variant.
Coding change: c.937C>T on transcript NM_021620.4 (MANE Select); coding-DNA position 937, C replaced by T.
Protein change: p.Arg313Trp; replaces arginine 313 with tryptophan.
Molecular consequence: missense variant.
Genome position (GRCh38, 1-based): chr6:99,613,572, C>T. VCF-style: chr6-99613572-C-T. GRCh37 (hg19) VCF-style: chr6-100061448-C-T.
Other names: c.937C>T (NM_021620.3); short protein forms R313W.
Identifiers: ClinVar variation 1960883 (VCV001960883.7), dbSNP rs1257673077, ClinGen allele CA365117118.